The following is an entry in ClinVar:

ClinVar aggregate classification (germline): Pathogenic. Review status: criteria provided, multiple submitters, no conflicts (2 of 4 stars). 2 submissions from 2 submitters: Pathogenic (2). Last evaluated 2025-10-14.

Conditions:
Neurofibromatosis, type 1 (NF1). Also called: Peripheral type neurofibromatosis; VON RECKLINGHAUSEN DISEASE; NEUROFIBROMATOSIS, TYPE I, SOMATIC; Neurofibromatosis, type I. Identifiers: Orphanet 636, MedGen C0027831, MONDO:0018975, OMIM 162200. Disease mechanism: loss of function.

Submissions (2):

Department of Clinical Genetics, Copenhagen University Hospital, Rigshospitalet
Classification: Pathogenic for Neurofibromatosis, type 1. Last evaluated: 2025-10-14. Review status: criteria provided, single submitter. Criteria: ACMG Guidelines, 2015. Collection method: clinical testing. Allele origin: germline.
Comment: The following ACMG criteria has been used: PVS1, PM2_su, PP4_m, PS4_su

Labcorp Genetics (formerly Invitae), Labcorp
Classification: Pathogenic for Neurofibromatosis, type 1. Last evaluated: 2019-09-08. Review status: criteria provided, single submitter. Criteria: Invitae Variant Classification Sherloc (09022015). Collection method: clinical testing. Allele origin: germline.
Comment: This sequence change creates a premature translational stop signal (p.Ser2522Ilefs*5) in the NF1 gene. It is expected to result in an absent or disrupted protein product. For these reasons, this variant has been classified as Pathogenic. Loss-of-function variants in NF1 are known to be pathogenic (PMID: 10712197, 23913538). This variant has not been reported in the literature in individuals with NF1-related conditions. This variant is not present in population databases (ExAC no frequency).

Literature cited by the submitters: PubMed 10712197 (cited by Labcorp Genetics (formerly Invitae), Labcorp); PubMed 23913538 (cited by Labcorp Genetics (formerly Invitae), Labcorp).

NM_001042492.3(NF1):c.7628del (p.Ser2543fs)

Gene: NF1 (neurofibromin 1; plus strand). Cytogenetic location: 17q11.2.
Variant type: Deletion.
Coding change: c.7628del on transcript NM_001042492.3 (MANE Select); coding-DNA position 7628, one base deleted (G; older notation c.7628delG).
Protein change: p.Ser2543fs; shifts the reading frame from serine 2543.
Molecular consequence: frameshift variant.
Genome position (GRCh38, 1-based): chr17:31,356,472, G deleted. VCF-style (leftmost placement, unchanged base first): chr17-31356471-AG-A. GRCh37 (hg19) VCF-style: chr17-29683489-AG-A.
Other names: c.7565delG, p.Ser2522Ilefs (NM_000267.4); c.7565delG (NM_000267.3); short protein forms S2543fs, S2522fs.
Identifiers: ClinVar variation 957276 (VCV000957276.7), dbSNP rs2070273084, ClinGen allele CA1139665478.